The following is an entry in ClinVar:

ClinVar aggregate classification (germline): Uncertain significance (1 of 4 stars; one submission).

Conditions:
Chédiak-Higashi syndrome (CHS). Also called: Chediak-Higashi Syndrome. Identifiers: Orphanet 167, MedGen C0007965, MONDO:0008963, OMIM 214500.

Allele frequency attached by ClinVar (database versions not stated): gnomAD exomes below 0.00001; TOPMed 0.00002; gnomAD 0.00003; 1000 Genomes Project 30x 0.00016; 1000 Genomes Project 0.00020.
gnomAD v4.1: 7 of 1,614,144 alleles (0.00043%); highest among the groups gnomAD compares: Admixed American, 0.01%; no homozygotes.

Submission:

Labcorp Genetics (formerly Invitae), Labcorp
Classification: Uncertain significance for Chédiak-Higashi syndrome. Last evaluated: 2022-04-15. Review status: criteria provided, single submitter. Criteria: Invitae Variant Classification Sherloc (09022015). Collection method: clinical testing. Allele origin: germline.
Comment: This sequence change replaces proline, which is neutral and non-polar, with serine, which is neutral and polar, at codon 3479 of the LYST protein (p.Pro3479Ser). This variant is not present in population databases (gnomAD no frequency). This variant has not been reported in the literature in individuals affected with LYST-related conditions. ClinVar contains an entry for this variant (Variation ID: 1052967). Algorithms developed to predict the effect of missense changes on protein structure and function are either unavailable or do not agree on the potential impact of this missense change (SIFT: "Deleterious"; PolyPhen-2: "Probably Damaging"; Align-GVGD: "Class C0"). In summary, the available evidence is currently insufficient to determine the role of this variant in disease. Therefore, it has been classified as a Variant of Uncertain Significance.

NM_000081.4(LYST):c.10435C>T (p.Pro3479Ser)

Gene: LYST (lysosomal trafficking regulator; minus strand). Cytogenetic location: 1q42.3.
Variant type: single nucleotide variant.
Coding change: c.10435C>T on transcript NM_000081.4 (MANE Select); coding-DNA position 10435, C replaced by T.
Protein change: p.Pro3479Ser; replaces proline 3479 with serine.
Molecular consequence: missense variant.
Genome position (GRCh38, 1-based): chr1:235,697,212, G>A on the plus strand (C>T on the coding strand, the complement: LYST is on the minus strand). VCF-style: chr1-235697212-G-A. GRCh37 (hg19) VCF-style: chr1-235860512-G-A.
Other names: c.10435C>T, p.Pro3479Ser (NM_001301365.1); short protein forms P3479S.
Identifiers: ClinVar variation 1052967 (VCV001052967.2), dbSNP rs529677403, ClinGen allele CA39587658.